The following is an entry in ClinVar:

NM_001130438.3(SPTAN1):c.3572C>T (p.Pro1191Leu)

Gene: SPTAN1 (spectrin alpha, non-erythrocytic 1; plus strand). Cytogenetic location: 9q34.11.
Variant type: single nucleotide variant.
Coding change: c.3572C>T on transcript NM_001130438.3 (MANE Select); coding-DNA position 3572, C replaced by T.
Protein change: p.Pro1191Leu; replaces proline 1191 with leucine.
Molecular consequence: missense variant.
Genome position (GRCh38, 1-based): chr9:128,600,108, C>T. VCF-style: chr9-128600108-C-T. GRCh37 (hg19) VCF-style: chr9-131362387-C-T.
Other names: p.P1191L:CCG>CTG; c.3512C>T, p.Pro1171Leu (NM_001195532.2, NM_001363765.2); c.3572C>T, p.Pro1191Leu (NM_001363759.2, NM_003127.4); short protein forms P1191L, P1171L.
Identifiers: ClinVar variation 207281 (VCV000207281.7), dbSNP rs796053304, ClinGen allele CA318599.

ClinVar aggregate classification (germline): Conflicting classifications of pathogenicity. Review status: criteria provided, conflicting classifications (1 of 4 stars). 2 submissions from 2 submitters: Uncertain significance (1); Likely benign (1). Last evaluated 2024-11-09.

Conditions:
Early-infantile DEE. Also called: Ohtahara syndrome; Early infantile epileptic encephalopathy; Early infantile epileptic encephalopathy with suppression bursts. Identifiers: Orphanet 1934, MedGen C0393706, MONDO:0800491.

Allele frequency attached by ClinVar (database versions not stated): TOPMed 0.00001.
gnomAD v4.1: 5 of 1,614,156 alleles (0.00031%); highest among the groups gnomAD compares: East Asian, 0.0022%; no homozygotes.

Submissions (2):

Labcorp Genetics (formerly Invitae), Labcorp
Classification: Uncertain significance for Early-infantile DEE. Last evaluated: 2024-11-09. Review status: criteria provided, single submitter. Criteria: Invitae Variant Classification Sherloc (09022015). Collection method: clinical testing. Allele origin: germline.
Comment: This sequence change replaces proline, which is neutral and non-polar, with leucine, which is neutral and non-polar, at codon 1191 of the SPTAN1 protein (p.Pro1191Leu). This variant is not present in population databases (gnomAD no frequency). This variant has not been reported in the literature in individuals affected with SPTAN1-related conditions. ClinVar contains an entry for this variant (Variation ID: 207281). Invitae Evidence Modeling of protein sequence and biophysical properties (such as structural, functional, and spatial information, amino acid conservation, physicochemical variation, residue mobility, and thermodynamic stability) has been performed for this missense variant. However, the output from this modeling did not meet the statistical confidence thresholds required to predict the impact of this variant on SPTAN1 protein function. In summary, the available evidence is currently insufficient to determine the role of this variant in disease. Therefore, it has been classified as a Variant of Uncertain Significance.

GeneDx
Classification: Likely benign. Last evaluated: 2012-09-07. Review status: criteria provided, single submitter. Criteria: GeneDx Variant Classification (06012015). Collection method: clinical testing. Allele origin: germline. Affected: yes.
Comment: This variant is considered likely benign or benign based on one or more of the following criteria: it is a conservative change, it occurs at a poorly conserved position in the protein, it is predicted to be benign by multiple in silico algorithms, and/or has population frequency not consistent with disease.